The following is an entry in ClinVar:

ClinVar aggregate classification (germline): Likely benign. Review status: criteria provided, multiple submitters, no conflicts (2 of 4 stars). 3 submissions from 3 submitters: Likely benign (3). Last evaluated 2025-05-23.

Conditions:
CPT2-related disorder. Also called: CPT2-related condition.
Carnitine palmitoyltransferase II deficiency. Also called: Carnitine Palmitoyltransferase 2 Deficiency. Identifiers: Orphanet 157, MedGen C0342790, MONDO:0015515.

Allele frequency attached by ClinVar (database versions not stated): TOPMed below 0.00001; gnomAD exomes 0.00001; ExAC 0.00002.

Submissions (3):

PreventionGenetics, part of Exact Sciences
Classification: Likely benign for CPT2-related condition. Last evaluated: 2025-05-23. Review status: criteria provided, single submitter. Criteria: ACMG Guidelines, 2015. Collection method: clinical testing. Allele origin: germline.
Comment: This variant is classified as likely benign based on ACMG/AMP sequence variant interpretation guidelines (Richards et al. 2015 PMID: 25741868, with internal and published modifications).

Blueprint Genetics
Classification: Likely benign. Last evaluated: 2024-04-04. Review status: criteria provided, single submitter. Criteria: ACMG Guidelines, 2015. Collection method: clinical testing. Allele origin: germline.

Labcorp Genetics (formerly Invitae), Labcorp
Classification: Likely benign for Carnitine palmitoyltransferase II deficiency. Last evaluated: 2023-11-17. Review status: criteria provided, single submitter. Criteria: Invitae Variant Classification Sherloc (09022015). Collection method: clinical testing. Allele origin: germline.

NM_000098.3(CPT2):c.267T>C (p.Asn89=)

Gene: CPT2 (carnitine palmitoyltransferase 2; plus strand). Cytogenetic location: 1p32.3.
Variant type: single nucleotide variant.
Coding change: c.267T>C on transcript NM_000098.3 (MANE Select); coding-DNA position 267, T replaced by C.
Protein change: p.Asn89=; no amino-acid change (asparagine 89 retained).
Molecular consequence: synonymous variant.
Genome position (GRCh38, 1-based): chr1:53,202,356, T>C. VCF-style: chr1-53202356-T-C. GRCh37 (hg19) VCF-style: chr1-53668028-T-C.
Other names: c.267T>C (NM_000098.2); c.267T>C, p.Asn89= (NM_001330589.2).
Identifiers: ClinVar variation 1099418 (VCV001099418.11), dbSNP rs768408574, ClinGen allele CA858940.